The following is an entry in ClinVar:

NM_139319.3(SLC17A8):c.*1295T>C

Gene: SLC17A8 (solute carrier family 17 member 8; plus strand). Cytogenetic location: 12q23.1.
Variant type: single nucleotide variant.
Coding change: c.*1295T>C on transcript NM_139319.3 (MANE Select); 1295 bases downstream of the stop codon, T replaced by C.
Molecular consequence: 3 prime UTR variant.
Genome position (GRCh38, 1-based): chr12:100,421,454, T>C. VCF-style: chr12-100421454-T-C. GRCh37 (hg19) VCF-style: chr12-100815232-T-C.
Other names: c.*1295T>C (NM_001145288.2).
Identifiers: ClinVar variation 306648 (VCV000306648.5), dbSNP rs139917587, ClinGen allele CA10639835.
Genomic context (GRCh38, chr12:100,421,454, plus strand): 5'-AGTTATACAGAGAAATACTACAATGAAAACATTTGGGGCAATTAGACCTACAGTTACTGT[T>C]GAAAAATTCACCTTTGATTGCATAAGGCAATTACATGGATACTTTTAGATATATTTAAAA-3'

ClinVar aggregate classification (germline): Benign (1 of 4 stars; one submission).

Conditions:
Autosomal dominant nonsyndromic hearing loss 25. Identifiers: Orphanet 90635, MedGen C1854158, MONDO:0011568, OMIM 605583.

Allele frequency attached by ClinVar (database versions not stated): gnomAD 0.00333 and 0.00355; TOPMed 0.00395; 1000 Genomes Project 0.00479; 1000 Genomes Project 30x 0.00547.

Submission:

Illumina Laboratory Services, Illumina
Classification: Benign for Autosomal dominant nonsyndromic hearing loss 25. Last evaluated: 2018-01-13. Review status: criteria provided, single submitter. Criteria: ICSL Variant Classification Criteria 13 December 2019. Collection method: clinical testing. Allele origin: germline.
Comment: This variant was observed in the ICSL laboratory as part of a predisposition screen in an ostensibly healthy population. It had not been previously curated by ICSL or reported in the Human Gene Mutation Database (HGMD: prior to June 1st, 2018), and was therefore a candidate for classification through an automated scoring system. Utilizing variant allele frequency, disease prevalence and penetrance estimates, and inheritance mode, an automated score was calculated to assess if this variant is too frequent to cause the disease. Based on the score and internal cut-off values, a variant classified as benign is not then subjected to further curation. The score for this variant resulted in a classification of benign for this disease.